The following is an entry in ClinVar:

NM_001040108.2(MLH3):c.3281-8A>T

Gene: MLH3 (mutL homolog 3; minus strand). Cytogenetic location: 14q24.3.
Variant type: single nucleotide variant.
Coding change: c.3281-8A>T on transcript NM_001040108.2 (MANE Select); 8 bases into the intron before coding-DNA position 3281, A replaced by T.
Molecular consequence: intron variant.
Genome position (GRCh38, 1-based): chr14:75,042,485, T>A on the plus strand (A>T on the coding strand, the complement: MLH3 is on the minus strand). VCF-style: chr14-75042485-T-A. GRCh37 (hg19) VCF-style: chr14-75509188-T-A.
Other names: c.3281-8A>T (NM_014381.3).
Identifiers: ClinVar variation 760072 (VCV000760072.11), dbSNP rs376532114, ClinGen allele CA915946345.
Genomic context (GRCh38, chr14:75,042,485, plus strand): 5'-AAGGAAAGGAAGAACAAGGTCGCTTCTAAAAGGTTGACACCTGTACTGAGACCCTAAATA[T>A]AAGAAAGAAAAACCTAGAAATGTGAACTTAAAATACAAGTAAACTCTTTAAAAATTTAAT-3'

ClinVar aggregate classification (germline): Likely benign. Review status: criteria provided, multiple submitters, no conflicts (2 of 4 stars). 2 submissions from 2 submitters: Likely benign (2). Last evaluated 2026-09-11.

Conditions:
Colorectal cancer, hereditary nonpolyposis, type 7. Identifiers: Orphanet 144, MedGen C1858380, MONDO:0013725, OMIM 614385.

gnomAD v4.1: 1 of 1,604,690 alleles (0.000062%); highest among the groups gnomAD compares: Non-Finnish European, 0.000085%; no homozygotes.

Submissions (2):

Myriad Genetics, Inc.
Classification: Likely benign for Colorectal cancer, hereditary nonpolyposis, type 7. Last evaluated: 2026-09-11. Review status: criteria provided, single submitter. Criteria: Myriad Autosomal Dominant, Autosomal Recessive and X-Linked Classification Criteria (2023). Collection method: clinical testing. Allele origin: unknown.
Comment: This variant is considered likely benign. This variant is intronic and is not expected to impact mRNA splicing.

Labcorp Genetics (formerly Invitae), Labcorp
Classification: Likely benign for Colorectal cancer, hereditary nonpolyposis, type 7. Last evaluated: 2019-06-13. Review status: criteria provided, single submitter. Criteria: Invitae Variant Classification Sherloc (09022015). Collection method: clinical testing. Allele origin: germline.